The following is an entry in ClinVar:

NM_021930.6(RINT1):c.1493C>G (p.Thr498Arg)

Gene: RINT1 (RAD50 interactor 1; plus strand). Cytogenetic location: 7q22.3.
Variant type: single nucleotide variant.
Coding change: c.1493C>G on transcript NM_021930.6 (MANE Select); coding-DNA position 1493, C replaced by G.
Protein change: p.Thr498Arg; replaces threonine 498 with arginine.
Molecular consequence: missense variant.
Genome position (GRCh38, 1-based): chr7:105,555,049, C>G. VCF-style: chr7-105555049-C-G. GRCh37 (hg19) VCF-style: chr7-105195496-C-G.
Other names: c.1259C>G, p.Thr420Arg (NM_001346599.2); c.470C>G, p.Thr157Arg (NM_001346600.2, NM_001346603.2); c.569C>G, p.Thr190Arg (NM_001346601.2); short protein forms T157R, T498R, T190R, T420R.
Identifiers: ClinVar variation 2561622 (VCV002561622.2), dbSNP rs778897084, ClinGen allele CA368811257.

ClinVar aggregate classification (germline): Uncertain significance (1 of 4 stars; one submission).

Submission:

Ambry Genetics
Classification: Uncertain significance. Last evaluated: 2023-04-19. Review status: criteria provided, single submitter. Criteria: Ambry Variant Classification Scheme 2023. Collection method: clinical testing. Allele origin: germline.
Comment: The p.T498R variant (also known as c.1493C>G), located in coding exon 11 of the RINT1 gene, results from a C to G substitution at nucleotide position 1493. The threonine at codon 498 is replaced by arginine, an amino acid with similar properties. This amino acid position is conserved. In addition, this alteration is predicted to be tolerated by in silico analysis. Since supporting evidence is limited at this time, the clinical significance of this alteration remains unclear.